The following is an entry in ClinVar:

ClinVar aggregate classification (germline): Uncertain significance (1 of 4 stars; one submission).

Conditions:
Cryptosporidiosis-chronic cholangitis-liver disease syndrome. Also called: Immunodeficiency type 56; IL21R immunodeficiency. Identifiers: Orphanet 357329, MedGen C3554687, MONDO:0014082, OMIM 615207.

Submission:

Labcorp Genetics (formerly Invitae), Labcorp
Classification: Uncertain significance for IL21R immunodeficiency. Last evaluated: 2018-05-18. Review status: criteria provided, single submitter. Criteria: Invitae Variant Classification Sherloc (09022015). Collection method: clinical testing. Allele origin: germline.
Comment: This sequence change affects the initiator methionine of the IL21R mRNA. The next in-frame methionine is located at codon 39. This variant is not present in population databases (ExAC no frequency). This variant has not been reported in the literature in individuals with IL21R-related disease. Experimental studies and prediction algorithms are not available for this variant, and the functional significance of the amino acids located between p.Met1 and p.Met39 is currently unknown. In summary, the available evidence is currently insufficient to determine the role of this variant in disease. Therefore, it has been classified as a Variant of Uncertain Significance.

NM_181078.3(IL21R):c.3_4delinsAA (p.Met1_Pro2delinsIleThr)

Gene: IL21R (interleukin 21 receptor; plus strand). Cytogenetic location: 16p12.1.
Variant type: Indel.
Coding change: c.3_4delinsAA on transcript NM_181078.3 (MANE Select); coding-DNA positions 3 to 4, GC replaced by AA.
Protein change: p.Met1_Pro2delinsIleThr.
Molecular consequence: missense variant, initiator codon variant.
Genome position (GRCh38, 1-based): chr16:27,430,074-27,430,075, GC replaced by AA. VCF-style: chr16-27430074-GC-AA. GRCh37 (hg19) VCF-style: chr16-27441395-GC-AA.
Other names: c.3_4delinsAA, p.Met1_Pro2delinsIleThr (NM_021798.4); c.69_70delinsAA, p.Met23_Pro24delinsIleThr (NM_181079.5).
Identifiers: ClinVar variation 579926 (VCV000579926.2), dbSNP rs1567364201, ClinGen allele CA891844300.